The following is an entry in ClinVar:

NM_001369268.1(ACAN):c.537T>A (p.Ser179Arg)

Gene: ACAN (aggrecan; plus strand). Cytogenetic location: 15q26.1.
Variant type: single nucleotide variant.
Coding change: c.537T>A on transcript NM_001369268.1 (MANE Select); coding-DNA position 537, T replaced by A.
Protein change: p.Ser179Arg; replaces serine 179 with arginine.
Molecular consequence: missense variant.
Genome position (GRCh38, 1-based): chr15:88,840,094, T>A. VCF-style: chr15-88840094-T-A. GRCh37 (hg19) VCF-style: chr15-89383325-T-A.
Other names: c.537T>A, p.Ser179Arg (NM_001135.4, NM_001411096.1, NM_001411097.1 and 1 more transcripts); short protein forms S179R.
Identifiers: ClinVar variation 2693901 (VCV002693901.3), dbSNP rs2505230657, ClinGen allele CA393717021.

ClinVar aggregate classification (germline): Uncertain significance (1 of 4 stars; one submission).

Allele frequency attached by ClinVar (database versions not stated): gnomAD exomes below 0.00001.
gnomAD v4.1: 1 of 1,604,702 alleles (0.000062%); highest among the groups gnomAD compares: Admixed American, 0.0017%; no homozygotes.

Submission:

Labcorp Genetics (formerly Invitae), Labcorp
Classification: Uncertain significance. Last evaluated: 2023-11-06. Review status: criteria provided, single submitter. Criteria: Invitae Variant Classification Sherloc (09022015). Collection method: clinical testing. Allele origin: germline.
Comment: This sequence change replaces serine, which is neutral and polar, with arginine, which is basic and polar, at codon 179 of the ACAN protein (p.Ser179Arg). This variant is not present in population databases (gnomAD no frequency). This variant has not been reported in the literature in individuals affected with ACAN-related conditions. Advanced modeling of protein sequence and biophysical properties (such as structural, functional, and spatial information, amino acid conservation, physicochemical variation, residue mobility, and thermodynamic stability) performed at Invitae indicates that this missense variant is not expected to disrupt ACAN protein function with a negative predictive value of 80%. In summary, the available evidence is currently insufficient to determine the role of this variant in disease. Therefore, it has been classified as a Variant of Uncertain Significance.